The following is an entry in ClinVar:

NM_001031679.3(MSRB3):c.309C>T (p.His103=)

Gene: MSRB3 (methionine sulfoxide reductase B3; plus strand). Cytogenetic location: 12q14.3.
Variant type: single nucleotide variant.
Coding change: c.309C>T on transcript NM_001031679.3 (MANE Select); coding-DNA position 309, C replaced by T.
Protein change: p.His103=; no amino-acid change (histidine 103 retained).
Molecular consequence: synonymous variant.
Genome position (GRCh38, 1-based): chr12:65,453,744, C>T. VCF-style: chr12-65453744-C-T. GRCh37 (hg19) VCF-style: chr12-65847524-C-T.
Other names: c.309C>T, p.His103= (NM_001193460.2, NM_001193461.2); c.330C>T, p.His110= (NM_198080.4); c.330C>T (NM_198080.3).
Identifiers: ClinVar variation 2906915 (VCV002906915.5), dbSNP rs140600679, ClinGen allele CA6671468.
Genomic context (GRCh38, chr12:65,453,744, plus strand): 5'-TATCTCTCCTCTCTGCTTTGATTCTTGTGCCTGCTGTGTCCCAGGTTGGCCTTCATTCCA[C>T]GATGTGATCAATTCTGAGGCAATCACATTCACAGATGACTTTTCCTATGGGATGCACAGG-3'
Protein context (NP_001026849.1, residues 93-113): FDSGSGWPSF[His103=]DVINSEAITF

ClinVar aggregate classification (germline): Likely benign. Review status: criteria provided, single submitter (1 of 4 stars). 2 submissions from 2 submitters: Likely benign (1). 1 of the submissions does not count toward it. Last evaluated 2023-06-23.

Conditions:
MSRB3-related disorder. Also called: MSRB3-related condition.

Allele frequency attached by ClinVar (database versions not stated): TOPMed below 0.00001; gnomAD 0.00001; gnomAD exomes 0.00004; ExAC 0.00005; ESP Exome Variant Server 0.00008.
gnomAD v4.1: 54 of 1,613,884 alleles (0.0033%); highest among the groups gnomAD compares: Non-Finnish European, 0.0039%; no homozygotes.

Submissions (2):

Labcorp Genetics (formerly Invitae), Labcorp
Classification: Likely benign. Last evaluated: 2023-06-23. Review status: criteria provided, single submitter. Criteria: Invitae Variant Classification Sherloc (09022015). Collection method: clinical testing. Allele origin: germline.

PreventionGenetics, part of Exact Sciences
Classification: Likely benign for MSRB3-related condition. Last evaluated: 2019-02-28. Review status: no assertion criteria provided. Collection method: clinical testing. Allele origin: germline. Not counted in ClinVar's aggregate classification.
Comment: This variant is classified as likely benign based on ACMG/AMP sequence variant interpretation guidelines (Richards et al. 2015 PMID: 25741868, with internal and published modifications).